The following is an entry in ClinVar:

ClinVar aggregate classification (germline): Likely benign. Review status: criteria provided, multiple submitters, no conflicts (2 of 4 stars). 4 submissions from 4 submitters: Likely benign (4). Last evaluated 2025-12-15.

Conditions:
Cardiovascular phenotype. Identifiers: MedGen CN230736.
Arrhythmogenic right ventricular cardiomyopathy (ARVD). Also called: Cardiomyopathy, ARVC; Arrhythmogenic right ventricular dysplasia; Arrhythmogenic cardiomyopathy; Arrhythmogenic Right Ventricular Cardiomyopathy (ARVC). Identifiers: Orphanet 247, MedGen C0349788, MeSH D019571, MONDO:0016587. Disease mechanism: loss of function. Inheritance: Various modes of inheritance.
Cardiomyopathy (CMYO). Also called: Cardiomyopathies. Identifiers: Orphanet 167848, MedGen C0878544, MONDO:0004994, HP:0001638. Inheritance: Various modes of inheritance.
Arrhythmogenic right ventricular dysplasia 10. Also called: Arrhythmogenic Right Ventricular Dysplasia/Cardiomyopathy10; ARRHYTHMOGENIC RIGHT VENTRICULAR DYSPLASIA, FAMILIAL, 10; Arrhythmogenic right ventricular dysplasia/cardiomyopathy, type 10. Identifiers: MedGen C1857777, MONDO:0012434, OMIM 610193.

Allele frequency attached by ClinVar (database versions not stated): gnomAD exomes below 0.00001 and 0.00001; TOPMed 0.00002.
gnomAD v4.1: 18 of 1,614,200 alleles (0.0011%); highest among the groups gnomAD compares: Non-Finnish European, 0.0015%; no homozygotes.

Submissions (4):

Labcorp Genetics (formerly Invitae), Labcorp
Classification: Likely benign for Arrhythmogenic right ventricular dysplasia 10. Last evaluated: 2025-12-15. Review status: criteria provided, single submitter. Criteria: Invitae Variant Classification Sherloc (09022015). Collection method: clinical testing. Allele origin: germline.

All of Us Research Program, National Institutes of Health
Classification: Likely benign for Arrhythmogenic right ventricular cardiomyopathy. Last evaluated: 2023-11-30. Review status: criteria provided, single submitter. Criteria: ACMG Guidelines, 2015. Collection method: clinical testing. Allele origin: germline. Inheritance: Autosomal dominant inheritance. Observed: 4 variant alleles, 4 heterozygotes.
Comment: This study involves interpretation of variants in research participants for the purpose of population health screening. Participant phenotype was not available at the time of variant classification. Additional details can be found in publication PMID: 35346344, PMCID: PMC8962531

Color Diagnostics, LLC DBA Color Health
Classification: Likely benign for Cardiomyopathy. Last evaluated: 2020-11-02. Review status: criteria provided, single submitter. Criteria: ACMG Guidelines, 2015. Collection method: clinical testing. Allele origin: germline.

Ambry Genetics
Classification: Likely benign for Cardiovascular phenotype. Last evaluated: 2020-09-01. Review status: criteria provided, single submitter. Criteria: Ambry Variant Classification Scheme 2023. Collection method: clinical testing. Allele origin: germline.

NM_001943.5(DSG2):c.3147A>G (p.Arg1049=)

Genes: DSG2 (desmoglein 2; plus strand), DSG2-AS1 (DSG2 antisense RNA 1; minus strand). Cytogenetic location: 18q12.1.
Variant type: single nucleotide variant.
Coding change: c.3147A>G on transcript NM_001943.5 (MANE Select); coding-DNA position 3147, A replaced by G.
Protein change: p.Arg1049=; no amino-acid change (arginine 1049 retained).
Molecular consequence: synonymous variant.
Genome position (GRCh38, 1-based): chr18:31,546,533, A>G. VCF-style: chr18-31546533-A-G. GRCh37 (hg19) VCF-style: chr18-29126496-A-G.
Identifiers: ClinVar variation 764592 (VCV000764592.15), dbSNP rs973445903, ClinGen allele CA297702568.